The following is an entry in ClinVar:

NM_021072.4(HCN1):c.2080C>G (p.Leu694Val)

Gene: HCN1 (hyperpolarization activated cyclic nucleotide gated potassium channel 1; minus strand). Cytogenetic location: 5p12.
Variant type: single nucleotide variant.
Coding change: c.2080C>G on transcript NM_021072.4 (MANE Select); coding-DNA position 2080, C replaced by G.
Protein change: p.Leu694Val; replaces leucine 694 with valine.
Molecular consequence: missense variant.
Genome position (GRCh38, 1-based): chr5:45,262,514, G>C on the plus strand (C>G on the coding strand, the complement: HCN1 is on the minus strand). VCF-style: chr5-45262514-G-C. GRCh37 (hg19) VCF-style: chr5-45262616-G-C.
Other names: short protein forms L694V.
Identifiers: ClinVar variation 950258 (VCV000950258.10), dbSNP rs1222433760, ClinGen allele CA359704095.

ClinVar aggregate classification (germline): Uncertain significance (1 of 4 stars; one submission).

Conditions:
Early-infantile DEE. Also called: Early infantile epileptic encephalopathy; Ohtahara syndrome; Early infantile epileptic encephalopathy with suppression bursts. Identifiers: Orphanet 1934, MedGen C0393706, MONDO:0800491.

Submission:

Labcorp Genetics (formerly Invitae), Labcorp
Classification: Uncertain significance for Early-infantile DEE. Last evaluated: 2020-03-31. Review status: criteria provided, single submitter. Criteria: Invitae Variant Classification Sherloc (09022015). Collection method: clinical testing. Allele origin: germline.
Comment: This sequence change replaces leucine with valine at codon 694 of the HCN1 protein (p.Leu694Val). The leucine residue is highly conserved and there is a small physicochemical difference between leucine and valine. This variant is not present in population databases (ExAC no frequency). This variant has not been reported in the literature in individuals with HCN1-related conditions. Algorithms developed to predict the effect of missense changes on protein structure and function are either unavailable or do not agree on the potential impact of this missense change (SIFT: "Deleterious"; PolyPhen-2: "Benign"; Align-GVGD: "Class C0"). In summary, the available evidence is currently insufficient to determine the role of this variant in disease. Therefore, it has been classified as a Variant of Uncertain Significance.